The following is an entry in ClinVar:

NM_000136.3(FANCC):c.294_297del (p.Asn99fs)

Gene: FANCC (FA complementation group C; minus strand). Cytogenetic location: 9q22.32.
Variant type: Deletion.
Coding change: c.294_297del on transcript NM_000136.3 (MANE Select); coding-DNA positions 294 to 297, 4 bases deleted (TAAC; older notation c.294_297delTAAC).
Protein change: p.Asn99fs; shifts the reading frame from asparagine 99.
Molecular consequence: frameshift variant.
Genome position (GRCh38, 1-based): chr9:95,240,697-95,240,700, GTTA deleted on the plus strand (TAAC on the coding strand, the reverse complement: FANCC is on the minus strand). VCF-style (leftmost placement, unchanged base first): chr9-95240696-TGTTA-T. GRCh37 (hg19) VCF-style: chr9-98002978-TGTTA-T.
Other names: c.294_297del (NM_000136.2); c.294_297del, p.Asn99fs (NM_001243743.2, NM_001243744.2); short protein forms N99fs.
Identifiers: ClinVar variation 1915888 (VCV001915888.7), dbSNP rs2542755543, ClinGen allele CA2580080695.
Genomic context (GRCh38, chr9:95,240,696, plus strand): 5'-TTTACTCTCTTACCTGTATCCAGGAGTTAAGTTTTGATTGTCCAGAATTCTGTGGTTCTT[TGTTA>T]ATTAGACAACATAAGCACCATATTAGAATTTTTTGGCTTTCATCTACAAAAAGGAAAACT-3'

ClinVar aggregate classification (germline): Pathogenic/Likely pathogenic. Review status: criteria provided, multiple submitters, no conflicts (2 of 4 stars). 3 submissions from 3 submitters: Pathogenic (1); Likely pathogenic (2). Last evaluated 2024-12-12.

Conditions:
Fanconi anemia (FA). Also called: Fanconi's anemia. Identifiers: Orphanet 84, MedGen C0015625, MeSH D005199, MONDO:0019391.
Fanconi anemia complementation group C (FANCC). Also called: Fanconi anemia, group C; FANCC-Related Fanconi Anemia; FANCONI PANCYTOPENIA, TYPE 3; FACC. Identifiers: Orphanet 84, MedGen C3468041, MONDO:0009213, OMIM 227645.

Submissions (3):

Labcorp Genetics (formerly Invitae), Labcorp
Classification: Pathogenic for Fanconi anemia. Last evaluated: 2024-12-12. Review status: criteria provided, single submitter. Criteria: Invitae Variant Classification Sherloc (09022015). Collection method: clinical testing. Allele origin: germline.
Comment: This sequence change creates a premature translational stop signal (p.Asn99Lysfs*44) in the FANCC gene. It is expected to result in an absent or disrupted protein product. Loss-of-function variants in FANCC are known to be pathogenic (PMID: 17924555). This variant is not present in population databases (gnomAD no frequency). This variant has not been reported in the literature in individuals affected with FANCC-related conditions. ClinVar contains an entry for this variant (Variation ID: 1915888). For these reasons, this variant has been classified as Pathogenic.

Natera, Inc.
Classification: Likely pathogenic for Fanconi anemia. Last evaluated: 2024-12-04. Review status: criteria provided, single submitter. Criteria: Natera Variant Classification Schema (03/2026). Collection method: clinical testing. Allele origin: germline.
Comment: The c.294_297del variant in FANCC is a frameshift variant predicted to shift the reading frame beginning at codon 99 and leads to a stop codon 44 codons downstream. This variant is expected to result in nonsense mediated decay, truncation, or a dysfunctional protein product. This variant is rare in the general population with a frequency below the threshold expected for the associated phenotype(s). Given the available evidence, this variant is classified as Likely Pathogenic.

Fulgent Genetics
Classification: Likely pathogenic for Fanconi anemia complementation group C. Last evaluated: 2024-04-22. Review status: criteria provided, single submitter. Criteria: ACMG Guidelines, 2015. Collection method: clinical testing. Allele origin: germline.

Literature cited by the submitters: PubMed 17924555 (cited by Labcorp Genetics (formerly Invitae), Labcorp).